The following is an entry in ClinVar:

ClinVar aggregate classification (germline): Pathogenic (1 of 4 stars; one submission).

Submission:

Labcorp Genetics (formerly Invitae), Labcorp
Classification: Pathogenic. Last evaluated: 2024-06-05. Review status: criteria provided, single submitter. Criteria: Invitae Variant Classification Sherloc (09022015). Collection method: clinical testing. Allele origin: germline.
Comment: This sequence change creates a premature translational stop signal (p.Glu1399*) in the POLE gene. It is expected to result in an absent or disrupted protein product. Loss-of-function variants in POLE are known to be pathogenic (PMID: 23230001, 25948378, 30503519). This variant is not present in population databases (gnomAD no frequency). This variant has not been reported in the literature in individuals affected with POLE-related conditions. Algorithms developed to predict the effect of sequence changes on RNA splicing suggest that this variant may disrupt the consensus splice site. For these reasons, this variant has been classified as Pathogenic.

Literature cited by the submitters: PubMed 23230001; PubMed 25948378; PubMed 30503519.

NM_006231.4(POLE):c.4195G>T (p.Glu1399Ter)

Gene: POLE (DNA polymerase epsilon, catalytic subunit; minus strand). Cytogenetic location: 12q24.33.
Variant type: single nucleotide variant.
Coding change: c.4195G>T on transcript NM_006231.4 (MANE Select); coding-DNA position 4195, G replaced by T.
Protein change: p.Glu1399Ter; replaces glutamic acid 1399 with a stop codon.
Molecular consequence: nonsense.
Genome position (GRCh38, 1-based): chr12:132,643,932, C>A on the plus strand (G>T on the coding strand, the complement: POLE is on the minus strand). VCF-style: chr12-132643932-C-A. GRCh37 (hg19) VCF-style: chr12-133220518-C-A.
Other names: short protein forms E1399*.
Identifiers: ClinVar variation 3654600 (VCV003654600.2).